The following is an entry in ClinVar:

ClinVar aggregate classification (germline): Uncertain significance (1 of 4 stars; one submission).

Conditions:
Atypical hemolytic-uremic syndrome. Identifiers: Orphanet 2134, MedGen C2931788, MONDO:0016244.

Submission:

Genomenon, Inc
Classification: Uncertain significance for Atypical hemolytic-uremic syndrome. Last evaluated: 2025-10-02. Review status: criteria provided, single submitter. Criteria: Genomenon Sequence Variant Interpretation Standards. Collection method: curation. Allele origin: germline. Affected: yes.
Comment: CD46 p.Gly243Val (c.728G>T) is a missense variant that changes the amino acid at residue 243 from Glycine to Valine. This variant has been observed in at least one proband affected with atypical hemolytic-uremic syndrome (PMID:32765494). It is absent or not present at a significant frequency in gnomAD. In silico models agree that this variant is not damaging. In conclusion, we classify CD46 p.Gly243Val (c.728G>T) as a variant of uncertain significance.

Literature cited by the submitters: PubMed 32765494.

NM_172351.3(CD46):c.728G>T (p.Gly243Val)

Gene: CD46 (CD46 molecule; plus strand). Cytogenetic location: 1q32.2.
Variant type: single nucleotide variant.
Coding change: c.728G>T on transcript NM_172351.3 (MANE Select); coding-DNA position 728, G replaced by T.
Protein change: p.Gly243Val; replaces glycine 243 with valine.
Molecular consequence: missense variant.
Genome position (GRCh38, 1-based): chr1:207,767,067, G>T. VCF-style: chr1-207767067-G-T. GRCh37 (hg19) VCF-style: chr1-207940412-G-T.
Other names: c.728G>T, p.Gly243Val (NM_002389.4, NM_153826.4, NM_172350.3 and 8 more transcripts); short protein forms G243V.
Identifiers: ClinVar variation 4291178 (VCV004291178.1).